The following is an entry in ClinVar:

ClinVar aggregate classification (germline): Pathogenic/Likely pathogenic. Review status: criteria provided, multiple submitters, no conflicts (2 of 4 stars). 3 submissions from 3 submitters: Pathogenic (1); Likely pathogenic (2). Last evaluated 2025-11-04.

Conditions:
RAG1-related disorder. Also called: RAG1-related condition; RAG1-related disorders.
Severe combined immunodeficiency, autosomal recessive, T cell-negative, B cell-negative, NK cell-positive. Also called: Severe combined immunodeficiency due to complete RAG1/2 deficiency; SCID, AR, T-cell negative, B-cell negative, NK cell-positive; SCID, T CELL-NEGATIVE, B CELL-NEGATIVE, NK CELL-POSITIVE. Identifiers: Orphanet 331206, MedGen C1832322, MONDO:0011086, OMIM 601457.
Combined immunodeficiency with skin granulomas. Identifiers: Orphanet 157949, MedGen C2673536, MONDO:0009306, OMIM 233650.

Allele frequency attached by ClinVar (database versions not stated): ExAC 0.00002; gnomAD 0.00002; gnomAD exomes 0.00002; TOPMed 0.00002; ESP Exome Variant Server 0.00008.

Submissions (3):

Labcorp Genetics (formerly Invitae), Labcorp
Classification: Likely pathogenic for Combined immunodeficiency with skin granulomas; Severe combined immunodeficiency, autosomal recessive, T cell-negative, B cell-negative, NK cell-positive. Last evaluated: 2025-11-04. Review status: criteria provided, single submitter. Criteria: Invitae Variant Classification Sherloc (09022015). Collection method: clinical testing. Allele origin: germline.
Comment: This sequence change replaces arginine, which is basic and polar, with glutamine, which is neutral and polar, at codon 699 of the RAG1 protein (p.Arg699Gln). This variant is present in population databases (rs369990217, gnomAD 0.01%). This missense change has been observed in individual(s) with combined immune deficiency (PMID: 24290284). ClinVar contains an entry for this variant (Variation ID: 2137055). Invitae Evidence Modeling of protein sequence and biophysical properties (such as structural, functional, and spatial information, amino acid conservation, physicochemical variation, residue mobility, and thermodynamic stability) has been performed for this missense variant. However, the output from this modeling did not meet the statistical confidence thresholds required to predict the impact of this variant on RAG1 protein function. Experimental studies have shown that this missense change affects RAG1 function (PMID: 24290284). This variant disrupts the p.Arg699 amino acid residue in RAG1. Other variant(s) that disrupt this residue have been determined to be pathogenic (PMID: 20956421, 21184155, 21771083, 24122031, 24290284). This suggests that this residue is clinically significant, and that variants that disrupt this residue are likely to be disease-causing. In summary, the currently available evidence indicates that the variant is pathogenic, but additional data are needed to prove that conclusively. Therefore, this variant has been classified as Likely Pathogenic.

Blueprint Genetics
Classification: Likely pathogenic for RAG1-related disorders. Last evaluated: 2024-08-28. Review status: criteria provided, single submitter. Criteria: ACMG Guidelines, 2015. Collection method: clinical testing. Allele origin: germline. Affected: yes. Observed: 3 variant alleles.

Kariminejad - Najmabadi Pathology & Genetics Center
Classification: Pathogenic for Severe combined immunodeficiency, autosomal recessive, T cell-negative, B cell-negative, NK cell-positive. Review status: criteria provided, single submitter. Criteria: ACMG Guidelines, 2015. Collection method: clinical testing. Allele origin: germline. Affected: no.

Literature cited by the submitters: PubMed 24290284 (cited by Labcorp Genetics (formerly Invitae), Labcorp); PubMed 20956421 (cited by Labcorp Genetics (formerly Invitae), Labcorp); PubMed 21184155 (cited by Labcorp Genetics (formerly Invitae), Labcorp); PubMed 21771083 (cited by Labcorp Genetics (formerly Invitae), Labcorp); PubMed 24122031 (cited by Labcorp Genetics (formerly Invitae), Labcorp).

NM_000448.3(RAG1):c.2096G>A (p.Arg699Gln)

Gene: RAG1 (recombination activating 1; plus strand). Cytogenetic location: 11p12.
Variant type: single nucleotide variant.
Coding change: c.2096G>A on transcript NM_000448.3 (MANE Select); coding-DNA position 2096, G replaced by A.
Protein change: p.Arg699Gln; replaces arginine 699 with glutamine.
Molecular consequence: missense variant.
Genome position (GRCh38, 1-based): chr11:36,575,400, G>A. VCF-style: chr11-36575400-G-A. GRCh37 (hg19) VCF-style: chr11-36596950-G-A.
Other names: c.2096G>A, p.Arg699Gln (NM_001377277.1, NM_001377278.1, NM_001377279.1 and 1 more transcripts); short protein forms R699Q.
Identifiers: ClinVar variation 2137055 (VCV002137055.6), dbSNP rs369990217, ClinGen allele CA5950214.
Genomic context (GRCh38, chr11:36,575,400, plus strand): 5'-TTGCTGAGAGGGAGGCCATGAAGAGCAGTGAATTAATGCTTGAGCTGGGAGGCATTCTCC[G>A]GACTTTCAAGTTCATCTTCAGGGGCACCGGCTATGATGAAAAACTTGTGCGGGAAGTGGA-3'
Protein context (NP_000439.2, residues 689-709): ELMLELGGIL[Arg699Gln]TFKFIFRGTG